The following is an entry in ClinVar:

NM_182916.3(TRNT1):c.544_545insAA (p.Arg182fs)

Gene: TRNT1 (tRNA nucleotidyl transferase 1; plus strand). Cytogenetic location: 3p26.2.
Variant type: Insertion.
Coding change: c.544_545insAA on transcript NM_182916.3 (MANE Select); coding-DNA positions 544 to 545, AA inserted.
Protein change: p.Arg182fs; shifts the reading frame from arginine 182.
Molecular consequence: frameshift variant. On other transcripts: non-coding transcript variant (8).
Genome position: GRCh38 VCF-style: chr3-3144645-T-TAA. GRCh37 (hg19) VCF-style: chr3-3186329-T-TAA.
Other names: c.544_545insAA, p.Arg182fs (NM_001302946.2, NM_001367321.1, NM_001367322.1 and 1 more transcripts); short protein forms R182fs.
Identifiers: ClinVar variation 2745857 (VCV002745857.3), dbSNP rs2471328692, ClinGen allele CA2697550718.

ClinVar aggregate classification (germline): Pathogenic (1 of 4 stars; one submission).

Conditions:
Congenital sideroblastic anemia-B-cell immunodeficiency-periodic fever-developmental delay syndrome. Also called: Sideroblastic anemia with B-cell immunodeficiency, periodic fevers, and developmental delay. Identifiers: Orphanet 369861, MedGen C4015172, MONDO:0014487, OMIM 616084.

Submission:

Labcorp Genetics (formerly Invitae), Labcorp
Classification: Pathogenic for Congenital sideroblastic anemia-B-cell immunodeficiency-periodic fever-developmental delay syndrome. Last evaluated: 2023-08-23. Review status: criteria provided, single submitter. Criteria: Invitae Variant Classification Sherloc (09022015). Collection method: clinical testing. Allele origin: germline.
Comment: For these reasons, this variant has been classified as Pathogenic. This variant has not been reported in the literature in individuals affected with TRNT1-related conditions. This variant is not present in population databases (gnomAD no frequency). This sequence change creates a premature translational stop signal (p.Arg182Lysfs*19) in the TRNT1 gene. It is expected to result in an absent or disrupted protein product. Loss-of-function variants in TRNT1 are known to be pathogenic (PMID: 25193871).

Literature cited by the submitters: PubMed 25193871.